The following is an entry in ClinVar:

NM_001355436.2(SPTB):c.1509G>C (p.Lys503Asn)

Gene: SPTB (spectrin beta, erythrocytic; minus strand). Cytogenetic location: 14q23.3.
Variant type: single nucleotide variant.
Coding change: c.1509G>C on transcript NM_001355436.2 (MANE Select); coding-DNA position 1509, G replaced by C.
Protein change: p.Lys503Asn; replaces lysine 503 with asparagine.
Molecular consequence: missense variant.
Genome position (GRCh38, 1-based): chr14:64,795,472, C>G on the plus strand (G>C on the coding strand, the complement: SPTB is on the minus strand). VCF-style: chr14-64795472-C-G. GRCh37 (hg19) VCF-style: chr14-65262190-C-G.
Other names: NM_000347.5:c.1509G>C; c.1509G>C, p.Lys503Asn (NM_001024858.4, NM_001355437.2); short protein forms K503N.
Identifiers: ClinVar variation 2395920 (VCV002395920.6), dbSNP rs751281187, ClinGen allele CA7231092.
Genomic context (GRCh38, chr14:64,795,472, plus strand): 5'-CCTCTGGCGCCGGGACTGCAGCAGCTCCTGCAGGTAGCTCCATAGGCGCAGTATATTGTC[C>G]TTGCGGGCCGTGATGCGCTTCTGGTCATGGTAGTTCTCTTTCTCCAGCTCCTGAGCCAGG-3'
Protein context (NP_001342365.1, residues 493-513): YHDQKRITAR[Lys503Asn]DNILRLWSYL

ClinVar aggregate classification (germline): Uncertain significance. Review status: criteria provided, multiple submitters, no conflicts (2 of 4 stars). 4 submissions from 4 submitters: Uncertain significance (3). 1 of the submissions does not count toward it. Last evaluated 2024-10-25.

Conditions:
Elliptocytosis 3 (EL3). Identifiers: MedGen C1866810, MONDO:0054780, OMIM 617948.
Hereditary spherocytosis type 2. Also called: SPHEROCYTOSIS, TYPE 2, AUTOSOMAL DOMINANT. Identifiers: Orphanet 822, MedGen C2674219, MONDO:0000913, OMIM 616649.
Inborn genetic diseases. Identifiers: MedGen C0950123, MeSH D030342.

Allele frequency attached by ClinVar (database versions not stated): ExAC 0.00003.
gnomAD v4.1: 27 of 1,614,180 alleles (0.0017%); highest among the groups gnomAD compares: South Asian, 0.026%; 1 homozygote.

Submissions (4):

Labcorp Genetics (formerly Invitae), Labcorp
Classification: Uncertain significance. Last evaluated: 2024-10-25. Review status: criteria provided, single submitter. Criteria: Invitae Variant Classification Sherloc (09022015). Collection method: clinical testing. Allele origin: germline.
Comment: This sequence change replaces lysine, which is basic and polar, with asparagine, which is neutral and polar, at codon 503 of the SPTB protein (p.Lys503Asn). This variant is present in population databases (rs751281187, gnomAD 0.03%). This variant has not been reported in the literature in individuals affected with SPTB-related conditions. ClinVar contains an entry for this variant (Variation ID: 2395920). An algorithm developed to predict the effect of missense changes on protein structure and function (PolyPhen-2) suggests that this variant is likely to be disruptive. In summary, the available evidence is currently insufficient to determine the role of this variant in disease. Therefore, it has been classified as a Variant of Uncertain Significance.

Ambry Genetics
Classification: Uncertain significance for Inborn genetic diseases. Last evaluated: 2021-10-12. Review status: criteria provided, single submitter. Criteria: Ambry Variant Classification Scheme 2023. Collection method: clinical testing. Allele origin: germline.

Neuberg Centre For Genomic Medicine, NCGM
Classification: Uncertain significance for Hereditary spherocytosis type 2. Review status: criteria provided, single submitter. Criteria: ACMG Guidelines, 2015. Collection method: clinical testing. Allele origin: germline. Inheritance: Autosomal dominant inheritance. Affected: yes.
Comment: The missense variant p.K503N in SPTB (NM_001355436.2) has not been reported previously as a pathogenic variant nor as a benign variant, to our knowledge. The missense variant c.1509G>C (p.K503N) in SPTB (NM_001355436.2) is observed in 8/30616 (0.0261%) alleles from individuals of South Asian background in the gnomAD dataset (Exome Aggregation Consortium et al., 2016), but was not seen in the homozygous state. In silico tools predict a damaging effect and the residue is semi-conserved across species. For these reasons, this variant has been classified as Uncertain Significance.

Subrahamanyam Lab, Department of Biochemistry, National Institute of Nutrition, Indian Council of Medical Research
Classification: Uncertain significance for Elliptocytosis 3; Hereditary spherocytosis type 2. Last evaluated: 2024-03-07. Review status: no assertion criteria provided. Collection method: research. Allele origin: unknown. Affected: yes. Observed: 1 variant allele, 1 heterozygote. Not counted in ClinVar's aggregate classification.

Literature cited by the submitters: PubMed 38592584 (cited by Subrahamanyam Lab, Department of Biochemistry, National Institute of Nutrition, Indian Council of Medical Research).